The following is an entry in ClinVar:

ClinVar aggregate classification (germline): Uncertain significance (1 of 4 stars; one submission).

Submission:

GeneDx
Classification: Uncertain significance. Last evaluated: 2025-07-15. Review status: criteria provided, single submitter. Criteria: GeneDx Variant Classification Process June 2021. Collection method: clinical testing. Allele origin: germline. Affected: yes.
Comment: Not observed at significant frequency in large population cohorts (gnomAD); In silico analysis suggests that this missense variant does not alter protein structure/function; Has not been previously published as pathogenic or benign to our knowledge

NM_001395002.1(MAP4K4):c.1586G>A (p.Arg529Lys)

Gene: MAP4K4 (mitogen-activated protein kinase kinase kinase kinase 4; plus strand). Cytogenetic location: 2q11.2.
Variant type: single nucleotide variant.
Coding change: c.1586G>A on transcript NM_001395002.1 (MANE Select); coding-DNA position 1586, G replaced by A.
Protein change: p.Arg529Lys; replaces arginine 529 with lysine.
Molecular consequence: missense variant. On other transcripts: non-coding transcript variant (3).
Genome position (GRCh38, 1-based): chr2:101,859,746, G>A. VCF-style: chr2-101859746-G-A. GRCh37 (hg19) VCF-style: chr2-102476208-G-A.
Other names: c.1586G>A, p.Arg529Lys (NM_001242559.2, NM_001384476.1, NM_001384477.1 and 14 more transcripts); c.1493G>A, p.Arg498Lys (NM_001242560.2, NM_001384478.1, NM_001384482.1 and 10 more transcripts); c.1499G>A, p.Arg500Lys (NM_001384548.1); c.1466G>A, p.Arg489Lys (NM_001384549.1, NM_001384551.1, NM_001384554.1 and 6 more transcripts); c.1472G>A, p.Arg491Lys (NM_001384550.1); c.1559G>A, p.Arg520Lys (NM_001384552.1, NM_001384553.1, NM_001384555.1 and 6 more transcripts); short protein forms R489K, R491K, R498K, R500K, R520K, R529K.
Identifiers: ClinVar variation 4686486 (VCV004686486.1).